The following is an entry in ClinVar:

NM_003803.4(MYOM1):c.1724T>C (p.Ile575Thr)

Gene: MYOM1 (myomesin 1; minus strand). Cytogenetic location: 18p11.31.
Variant type: single nucleotide variant.
Coding change: c.1724T>C on transcript NM_003803.4 (MANE Select); coding-DNA position 1724, T replaced by C.
Protein change: p.Ile575Thr; replaces isoleucine 575 with threonine.
Molecular consequence: missense variant.
Genome position (GRCh38, 1-based): chr18:3,151,813, A>G on the plus strand (T>C on the coding strand, the complement: MYOM1 is on the minus strand). VCF-style: chr18-3151813-A-G. GRCh37 (hg19) VCF-style: chr18-3151811-A-G.
Other names: c.1724T>C, p.Ile575Thr (NM_019856.2); short protein forms I575T.
Identifiers: ClinVar variation 3609888 (VCV003609888.2).
Genomic context (GRCh38, chr18:3,151,813, plus strand): 5'-GGGAAACCTATTCCCATTTTATTCACAGCTCGAACTCGGAAGATATAGGAACGACCTTCG[A>G]TCAATCCAGTGACAGGAAAACGAGCAAACTTCACAGGTGTGTCATTGCACTGCGACCAGC-3'
Protein context (NP_003794.3, residues 565-585): KFARFPVTGL[Ile575Thr]EGRSYIFRVR

ClinVar aggregate classification (germline): Uncertain significance (1 of 4 stars; one submission).

Conditions:
Hypertrophic cardiomyopathy. Also called: HYPERTROPHIC MYOCARDIOPATHY. Identifiers: Orphanet 217569, MedGen C0007194, MeSH D002312, MONDO:0005045, HP:0001639.

gnomAD v4.1: 4 of 1,613,834 alleles (0.00025%); highest among the groups gnomAD compares: African/African-American, 0.0053%; no homozygotes.

Submission:

Labcorp Genetics (formerly Invitae), Labcorp
Classification: Uncertain significance for Hypertrophic cardiomyopathy. Last evaluated: 2024-03-16. Review status: criteria provided, single submitter. Criteria: Invitae Variant Classification Sherloc (09022015). Collection method: clinical testing. Allele origin: germline.
Comment: This sequence change replaces isoleucine, which is neutral and non-polar, with threonine, which is neutral and polar, at codon 575 of the MYOM1 protein (p.Ile575Thr). This variant is present in population databases (rs377477742, gnomAD 0.01%). This variant has not been reported in the literature in individuals affected with MYOM1-related conditions. Advanced modeling of protein sequence and biophysical properties (such as structural, functional, and spatial information, amino acid conservation, physicochemical variation, residue mobility, and thermodynamic stability) performed at Invitae indicates that this missense variant is not expected to disrupt MYOM1 protein function with a negative predictive value of 80%. In summary, the available evidence is currently insufficient to determine the role of this variant in disease. Therefore, it has been classified as a Variant of Uncertain Significance.